The following is an entry in ClinVar:

NM_001330195.2(NRXN3):c.2248+10G>A

Gene: NRXN3 (neurexin 3; plus strand). Cytogenetic location: 14q31.1.
Variant type: single nucleotide variant.
Coding change: c.2248+10G>A on transcript NM_001330195.2 (MANE Select); 10 bases into the intron after coding-DNA position 2248, G replaced by A.
Molecular consequence: intron variant.
Genome position (GRCh38, 1-based): chr14:78,803,833, G>A. VCF-style: chr14-78803833-G-A. GRCh37 (hg19) VCF-style: chr14-79270176-G-A.
Other names: c.2260+10G>A (NM_001366426.1); c.2248+10G>A (NM_001366425.1); c.1129+10G>A (NM_004796.6).
Identifiers: ClinVar variation 3046333 (VCV003046333.2), dbSNP rs766184400, ClinGen allele CA7291813.
Genomic context (GRCh38, chr14:78,803,833, plus strand): 5'-CCCTGCGTCTGGAGCTGGATGGGGGGCGTGTCAAGCTCATGGTTAACTTAGGTATCGTAT[G>A]AAGTACCCTCTGCCACTTCGTTTGGGCTTGTCTTCCCTTTCTTTTCTGATTTTCATTGGT-3'

ClinVar aggregate classification (germline): Likely benign (0 of 4 stars; one submission).

Conditions:
NRXN3-related disorder. Also called: NRXN3-related condition.

Allele frequency attached by ClinVar (database versions not stated): TOPMed below 0.00001; ExAC 0.00001; gnomAD exomes 0.00001.
gnomAD v4.1: 17 of 1,610,722 alleles (0.0011%); highest among the groups gnomAD compares: South Asian, 0.0099%; no homozygotes.

Submission:

PreventionGenetics, part of Exact Sciences
Classification: Likely benign for NRXN3-related condition. Last evaluated: 2023-09-01. Review status: no assertion criteria provided. Collection method: clinical testing. Allele origin: germline.
Comment: This variant is classified as likely benign based on ACMG/AMP sequence variant interpretation guidelines (Richards et al. 2015 PMID: 25741868, with internal and published modifications).